The following is an entry in ClinVar:

NM_005762.3(TRIM28):c.2148C>T (p.Pro716=)

Gene: TRIM28 (tripartite motif containing 28; plus strand). Cytogenetic location: 19q13.43.
Variant type: single nucleotide variant.
Coding change: c.2148C>T on transcript NM_005762.3 (MANE Select); coding-DNA position 2148, C replaced by T.
Protein change: p.Pro716=; no amino-acid change (proline 716 retained).
Molecular consequence: synonymous variant.
Genome position (GRCh38, 1-based): chr19:58,549,990, C>T. VCF-style: chr19-58549990-C-T. GRCh37 (hg19) VCF-style: chr19-59061357-C-T.
Other names: c.2148C>T (NM_005762.2).
Identifiers: ClinVar variation 2789323 (VCV002789323.5), dbSNP rs3816328, ClinGen allele CA9719498.

ClinVar aggregate classification (germline): Benign. Review status: criteria provided, single submitter (1 of 4 stars). 2 submissions from 2 submitters: Benign (1). 1 of the submissions does not count toward it. Last evaluated 2026-02-03.

Conditions:
TRIM28-related disorder. Also called: TRIM28-related condition.

Allele frequency attached by ClinVar (database versions not stated): gnomAD 0.07100; ExAC 0.07445; 1000 Genomes Project 0.10264; gnomAD exomes 0.04969; TOPMed 0.07881; 1000 Genomes Project 30x 0.10197; ESP Exome Variant Server 0.06236.

Submissions (2):

Labcorp Genetics (formerly Invitae), Labcorp
Classification: Benign. Last evaluated: 2026-02-03. Review status: criteria provided, single submitter. Criteria: Invitae Variant Classification Sherloc (09022015). Collection method: clinical testing. Allele origin: germline.

PreventionGenetics, part of Exact Sciences
Classification: Benign for TRIM28-related condition. Last evaluated: 2019-12-24. Review status: no assertion criteria provided. Collection method: clinical testing. Allele origin: germline. Not counted in ClinVar's aggregate classification.
Comment: This variant is classified as benign based on ACMG/AMP sequence variant interpretation guidelines (Richards et al. 2015 PMID: 25741868, with internal and published modifications).